The following is an entry in ClinVar:

NM_001267550.2(TTN):c.70571_70572dup (p.Glu23525fs)

Genes: TTN (titin; minus strand), TTN-AS1 (TTN antisense RNA 1; plus strand), LOC126806422 (BRD4-independent group 4 enhancer GRCh37_chr2:179440205-179441404; plus strand). Cytogenetic location: 2q31.2.
Variant type: Duplication.
Coding change: c.70571_70572dup on transcript NM_001267550.2 (MANE Select); coding-DNA positions 70571 to 70572, 2 bases duplicated (CA; older notation c.70571_70572dupCA).
Protein change: p.Glu23525fs; shifts the reading frame from glutamic acid 23525.
Molecular consequence: frameshift variant.
Genome position (GRCh38, 1-based): chr2:178,575,560-178,575,561, TG duplicated on the plus strand (CA on the coding strand, the reverse complement: TTN is on the minus strand); duplicating any 2 consecutive bases within chr2:178,575,560-178,575,562 gives the same sequence; the c. name uses the placement nearest the transcript's 3' end. VCF-style (leftmost placement, unchanged base first): chr2-178575559-C-CTG. GRCh37 (hg19) VCF-style: chr2-179440286-C-CTG.
Other names: c.65648_65649dup, p.Glu21884fs (NM_001256850.1); c.43376_43377dup, p.Glu14460fs (NM_003319.4); c.62867_62868dup, p.Glu20957fs (NM_133378.4); c.43751_43752dup, p.Glu14585fs (NM_133432.3); c.43952_43953dup, p.Glu14652fs (NM_133437.4); c.43376_43377dupCA (NM_003319.4); short protein forms E20957fs, E23525fs, E14585fs, E21884fs, E14460fs, E14652fs.
Identifiers: ClinVar variation 944233 (VCV000944233.13), dbSNP rs1709775754, ClinGen allele CA1139657514.

ClinVar aggregate classification (germline): Likely pathogenic. Review status: criteria provided, multiple submitters, no conflicts (2 of 4 stars). 4 submissions from 4 submitters: Likely pathogenic (4). Last evaluated 2025-12-09.

Conditions:
Cardiovascular phenotype. Identifiers: MedGen CN230736.
TTN-related disorder. Also called: TTN-related condition; TTN-related disease; TTN-related disorders.
Dilated cardiomyopathy 1G (CMD1G). Identifiers: Orphanet 154, MedGen C1858763, MONDO:0011400, OMIM 604145.
Autosomal recessive limb-girdle muscular dystrophy type 2J (LGMDR10). Also called: MUSCULAR DYSTROPHY, LIMB-GIRDLE, AUTOSOMAL RECESSIVE 10; Limb-girdle muscular dystrophy, type 2J. Identifiers: Orphanet 140922, MedGen C1837342, MONDO:0012127, OMIM 608807.

Submissions (4):

Labcorp Genetics (formerly Invitae), Labcorp
Classification: Likely pathogenic for Dilated cardiomyopathy 1G; Autosomal recessive limb-girdle muscular dystrophy type 2J. Last evaluated: 2025-12-09. Review status: criteria provided, single submitter. Criteria: Invitae Variant Classification Sherloc (09022015). Collection method: clinical testing. Allele origin: germline.
Comment: This sequence change creates a premature translational stop signal (p.Glu23525Glnfs*4) in the TTN gene. While this is not anticipated to result in nonsense mediated decay, it is expected to create a truncated TTN protein. This variant is not present in population databases (gnomAD no frequency). This variant has not been reported in the literature in individuals affected with TTN-related conditions. ClinVar contains an entry for this variant (Variation ID: 944233). This variant is located in the A band of TTN (PMID: 25589632). Truncating variants in this region are significantly overrepresented in patients affected with dilated cardiomyopathy (PMID: 25589632). Truncating variants in this region have also been reported in individuals affected with autosomal recessive centronuclear myopathy (PMID: 23975875). In summary, the currently available evidence indicates that the variant is pathogenic, but additional data are needed to prove that conclusively. Therefore, this variant has been classified as Likely Pathogenic.

Blueprint Genetics
Classification: Likely pathogenic for TTN-related disorders. Last evaluated: 2024-09-21. Review status: criteria provided, single submitter. Criteria: ACMG Guidelines, 2015. Collection method: clinical testing. Allele origin: germline. Affected: yes. Observed: 3 variant alleles.

Ambry Genetics
Classification: Likely pathogenic for Cardiovascular phenotype. Last evaluated: 2024-05-29. Review status: criteria provided, single submitter. Criteria: Ambry Variant Classification Scheme 2023. Collection method: clinical testing. Allele origin: germline.
Comment: The c.43376_43377dupCA variant, located in coding exon 153 of the TTN gene, results from a duplication of CA at nucleotide position 43376, causing a translational frameshift with a predicted alternate stop codon (p.E14460Qfs*4). This exon is located in the A-band region of the N2-B isoform of the titin protein and is constitutively expressed in TTN transcripts (percent spliced in or PSI 100%). This variant is considered to be rare based on population cohorts in the Genome Aggregation Database (gnomAD). This alteration is expected to result in loss of function by premature protein truncation or nonsense-mediated mRNA decay. While truncating variants in TTN are present in 1-3% of the general population, truncating variants in the A-band are the most common cause of dilated cardiomyopathy (DCM) (Herman DS et al. N. Engl. J. Med., 2012 Feb;366:619-28; Roberts AM et al. Sci Transl Med, 2015 Jan;7:270ra6). TTN truncating variants encoded in constitutive exons (PSI >90%) have been found to be significantly associated with DCM regardless of their position in titin (Schafer S et al. Nat. Genet., 2017 01;49:46-53). Based on the majority of available evidence to date, this variant is likely to be pathogenic.

ARUP Laboratories, Molecular Genetics and Genomics, ARUP Laboratories
Classification: Likely pathogenic. Last evaluated: 2024-05-15. Review status: criteria provided, single submitter. Criteria: ARUP Molecular Germline Variant Investigation Process 2024. Collection method: clinical testing. Allele origin: germline.
Comment: The TTN c.70571_70572dup; p.Glu23525GlnfsTer4 variant (rs1709775754), to our knowledge, is not reported in the medical literature but is reported in ClinVar (Variation ID: 944233). This variant is absent from the Genome Aggregation Database (v2.1.1), indicating it is not a common polymorphism. This variant causes a frameshift by inserting two nucleotides, so it is predicted to result in a truncated protein or mRNA subject to nonsense-mediated decay. This variant is in an exon that is spliced into 100% of TTN transcripts and encodes a segment of the A-band, which is a region that is enriched for pathogenic truncating variants in individuals with dilated cardiomyopathy (Roberts 2015, Herman 2012). Based on available information, this variant is considered to be likely pathogenic. References: Herman DS et al. Truncations of titin causing dilated cardiomyopathy. N Engl J Med. 2012 Feb 16;366(7):619-28. PMID: 22335739. Roberts AM et al. Integrated allelic, transcriptional, and phenomic dissection of the cardiac effects of titin truncations in health and disease. Sci Transl Med. 2015 Jan 14;7(270):270ra6. PMID: 25589632.

Literature cited by the submitters: PubMed 25589632 (cited by Labcorp Genetics (formerly Invitae), Labcorp); PubMed 23975875 (cited by Labcorp Genetics (formerly Invitae), Labcorp).